The following is an entry in ClinVar:

NM_006767.4(LZTR1):c.282C>A (p.Asp94Glu)

Gene: LZTR1 (leucine zipper like post translational regulator 1; plus strand). Cytogenetic location: 22q11.21.
Variant type: single nucleotide variant.
Coding change: c.282C>A on transcript NM_006767.4 (MANE Select); coding-DNA position 282, C replaced by A.
Protein change: p.Asp94Glu; replaces aspartic acid 94 with glutamic acid.
Molecular consequence: missense variant.
Genome position (GRCh38, 1-based): chr22:20,985,859, C>A. VCF-style: chr22-20985859-C-A. GRCh37 (hg19) VCF-style: chr22-21340148-C-A.
Other names: short protein forms D94E.
Identifiers: ClinVar variation 4707004 (VCV004707004.1).
Genomic context (GRCh38, chr22:20,985,859, plus strand): 5'-TAGACCTGGCTAATGCCACCCTCTCTTCCGGCTGCCTTTCAGGAAGACCATGCTCAATGA[C>A]CTCCTGCGGTTCGATGTGAAAGACTGCTCCTGGTGCAGGTGGGTGGCCCCGTGCTCCAGG-3'
Protein context (NP_006758.2, residues 84-104): GGDNGKTMLN[Asp94Glu]LLRFDVKDCS

ClinVar aggregate classification (germline): Uncertain significance (1 of 4 stars; one submission).

Submission:

Labcorp Genetics (formerly Invitae), Labcorp
Classification: Uncertain significance. Last evaluated: 2025-05-26. Review status: criteria provided, single submitter. Criteria: Invitae Variant Classification Sherloc (09022015). Collection method: clinical testing. Allele origin: germline.
Comment: This sequence change replaces aspartic acid, which is acidic and polar, with glutamic acid, which is acidic and polar, at codon 94 of the LZTR1 protein (p.Asp94Glu). This variant is not present in population databases (gnomAD no frequency). This variant has not been reported in the literature in individuals affected with LZTR1-related conditions. Invitae Evidence Modeling of protein sequence and biophysical properties (such as structural, functional, and spatial information, amino acid conservation, physicochemical variation, residue mobility, and thermodynamic stability) indicates that this missense variant is not expected to disrupt LZTR1 protein function with a negative predictive value of 80%. In summary, the available evidence is currently insufficient to determine the role of this variant in disease. Therefore, it has been classified as a Variant of Uncertain Significance.